The following is an entry in ClinVar:

ClinVar aggregate classification (germline): Uncertain significance (1 of 4 stars; one submission).

Submission:

GeneDx
Classification: Uncertain significance. Last evaluated: 2024-07-02. Review status: criteria provided, single submitter. Criteria: GeneDx Variant Classification Process June 2021. Collection method: clinical testing. Allele origin: germline. Affected: yes.
Comment: Not observed at significant frequency in large population cohorts (gnomAD); In silico analysis indicates that this missense variant does not alter protein structure/function; Has not been previously published as pathogenic or benign to our knowledge

NM_005121.3(MED13):c.6052T>G (p.Ser2018Ala)

Gene: MED13 (mediator complex subunit 13; minus strand). Cytogenetic location: 17q23.2.
Variant type: single nucleotide variant.
Coding change: c.6052T>G on transcript NM_005121.3 (MANE Select); coding-DNA position 6052, T replaced by G.
Protein change: p.Ser2018Ala; replaces serine 2018 with alanine.
Molecular consequence: missense variant.
Genome position (GRCh38, 1-based): chr17:61,953,030, A>C on the plus strand (T>G on the coding strand, the complement: MED13 is on the minus strand). VCF-style: chr17-61953030-A-C. GRCh37 (hg19) VCF-style: chr17-60030391-A-C.
Other names: short protein forms S2018A.
Identifiers: ClinVar variation 3393858 (VCV003393858.1).